The following is an entry in ClinVar:

NM_002693.3(POLG):c.1434-27C>T

Gene: POLG (DNA polymerase gamma, catalytic subunit; minus strand). Cytogenetic location: 15q26.1.
Variant type: single nucleotide variant.
Coding change: c.1434-27C>T on transcript NM_002693.3 (MANE Select); 27 bases into the intron before coding-DNA position 1434, C replaced by T.
Molecular consequence: intron variant.
Genome position (GRCh38, 1-based): chr15:89,327,090, G>A on the plus strand (C>T on the coding strand, the complement: POLG is on the minus strand). VCF-style: chr15-89327090-G-A. GRCh37 (hg19) VCF-style: chr15-89870321-G-A.
Other names: c.1434-27C>T (NM_001126131.2).
Identifiers: ClinVar variation 619453 (VCV000619453.2), dbSNP rs139086616, ClinGen allele CA7724838.
Genomic context (GRCh38, chr15:89,327,090, plus strand): 5'-CTCCAGGTCCCAGAGCCAGGGGTCTTCTTTGTACCTACAGAGCCAGTCCACTAGGGCAGG[G>A]CTAAGGCTAAGCCGAAGGCTAGGCCGCCCACCTGCCAGTCCCCTGCCTAGATCCTGCCCA-3'

ClinVar aggregate classification (germline): Likely benign. Review status: criteria provided, multiple submitters, no conflicts (2 of 4 stars). 2 submissions from 2 submitters: Likely benign (2). Last evaluated 2018-10-01.

Conditions:
Progressive sclerosing poliodystrophy (MTDPS4A). Also called: Alpers-Huttenlocher Syndrome (AHS); Alpers Syndrome; ALPERS PROGRESSIVE INFANTILE POLIODYSTROPHY; Mitochondrial DNA depletion syndrome 4A (Alpers type); ALPERS DIFFUSE DEGENERATION OF CEREBRAL GRAY MATTER WITH HEPATIC CIRRHOSIS; Alpers-Huttenlocher Syndrome. Identifiers: Orphanet 726, MedGen C0205710, MONDO:0008758, OMIM 203700.

Allele frequency attached by ClinVar (database versions not stated): gnomAD exomes 0.00020 and 0.00037; ExAC 0.00044; ESP Exome Variant Server 0.00069; gnomAD 0.00123 and 0.00125; TOPMed 0.00139; 1000 Genomes Project 0.00180; 1000 Genomes Project 30x 0.00187.
gnomAD v4.1: 519 of 1,614,178 alleles (0.032%); highest among the groups gnomAD compares: African/African-American, 0.44%; 2 homozygotes.

Submissions (2):

Wong Mito Lab, Molecular and Human Genetics, Baylor College of Medicine
Classification: Likely benign for Progressive sclerosing poliodystrophy. Last evaluated: 2018-10-01. Review status: criteria provided, single submitter. Criteria: ACMG Guidelines, 2015. Collection method: clinical testing. Allele origin: germline.
Comment: The NM_002693.2:c.1434-27C>T (NP_002684.1:p.=) [GRCH38: NC_000015.10:g.89327090G>A] variant in POLG gene is interpretated to be a Likely Benign based on ACMG guidelines (PMID: 25741868). This variant meets the following evidence codes reported in the ACMG-guideline. BS1:The minor allele frequency of this allele is high for Mitochondrial DNA depletion syndrome 4A (Alpers type). BP4:Computational evidence/predictors indicate no impact on the POLG structure, function, or protein-protein interaction. BP6:Reputable source(s) without shared data suggest the variant is benign. Based on the evidence criteria codes applied, the variant is suggested to be Likely Benign.

Breakthrough Genomics
Classification: Likely benign. Review status: criteria provided, single submitter. Criteria: ACMG Guidelines, 2015. Collection method: not provided. Allele origin: germline. Inheritance: Autosomal recessive inheritance. Affected: yes.